The following is an entry in ClinVar:

ClinVar aggregate classification (germline): Conflicting classifications of pathogenicity. Review status: criteria provided, conflicting classifications (1 of 4 stars). 2 submissions from 2 submitters: Uncertain significance (1); Likely benign (1). Last evaluated 2025-07-31.

Conditions:
Inborn genetic diseases. Identifiers: MedGen C0950123, MeSH D030342.

Allele frequency attached by ClinVar (database versions not stated): gnomAD 0.00002; TOPMed 0.00004; gnomAD exomes 0.00005; ExAC 0.00007.
gnomAD v4.1: 79 of 1,613,800 alleles (0.0049%); highest among the groups gnomAD compares: East Asian, 0.02%; no homozygotes.

Submissions (2):

Labcorp Genetics (formerly Invitae), Labcorp
Classification: Uncertain significance. Last evaluated: 2025-07-31. Review status: criteria provided, single submitter. Criteria: Invitae Variant Classification Sherloc (09022015). Collection method: clinical testing. Allele origin: germline.
Comment: This sequence change replaces threonine, which is neutral and polar, with methionine, which is neutral and non-polar, at codon 768 of the STAG1 protein (p.Thr768Met). This variant is present in population databases (rs757065909, gnomAD 0.007%). This variant has not been reported in the literature in individuals affected with STAG1-related conditions. ClinVar contains an entry for this variant (Variation ID: 2321587). Invitae Evidence Modeling of protein sequence and biophysical properties (such as structural, functional, and spatial information, amino acid conservation, physicochemical variation, residue mobility, and thermodynamic stability) indicates that this missense variant is not expected to disrupt STAG1 protein function with a negative predictive value of 80%. In summary, the available evidence is currently insufficient to determine the role of this variant in disease. Therefore, it has been classified as a Variant of Uncertain Significance.

Ambry Genetics
Classification: Likely benign for Inborn genetic diseases. Last evaluated: 2022-10-31. Review status: criteria provided, single submitter. Criteria: Ambry Variant Classification Scheme 2023. Collection method: clinical testing. Allele origin: germline.

NM_005862.3(STAG1):c.2303C>T (p.Thr768Met)

Gene: STAG1 (STAG1 cohesin complex component; minus strand). Cytogenetic location: 3q22.3.
Variant type: single nucleotide variant.
Coding change: c.2303C>T on transcript NM_005862.3 (MANE Select); coding-DNA position 2303, C replaced by T.
Protein change: p.Thr768Met; replaces threonine 768 with methionine.
Molecular consequence: missense variant.
Genome position (GRCh38, 1-based): chr3:136,377,727, G>A on the plus strand (C>T on the coding strand, the complement: STAG1 is on the minus strand). VCF-style: chr3-136377727-G-A. GRCh37 (hg19) VCF-style: chr3-136096569-G-A.
Other names: short protein forms T768M.
Identifiers: ClinVar variation 2321587 (VCV002321587.3), dbSNP rs757065909, ClinGen allele CA2632613.